The following is an entry in ClinVar:

ClinVar aggregate classification (germline): Likely benign. Review status: criteria provided, multiple submitters, no conflicts (2 of 4 stars). 2 submissions from 2 submitters: Likely benign (2). Last evaluated 2025-06-09.

Conditions:
Glycogen storage disease IXb (GSD9B). Also called: GLYCOGENOSIS OF LIVER AND MUSCLE, AUTOSOMAL RECESSIVE; GSD IXb; PHOSPHORYLASE KINASE DEFICIENCY OF LIVER AND MUSCLE, AUTOSOMAL RECESSIVE. Identifiers: Orphanet 79240, MedGen C0543514, MONDO:0009868, OMIM 261750.

Allele frequency attached by ClinVar (database versions not stated): ExAC 0.00001; gnomAD 0.00001; gnomAD exomes 0.00001; TOPMed 0.00005.
gnomAD v4.1: 17 of 1,613,418 alleles (0.0011%); highest among the groups gnomAD compares: East Asian, 0.0045%; no homozygotes.

Submissions (2):

Mayo Clinic Laboratories, Mayo Clinic
Classification: Likely benign. Last evaluated: 2025-06-09. Review status: criteria provided, single submitter. Criteria: ACMG Guidelines, 2015. Collection method: clinical testing. Allele origin: germline. Observed: 1 variant allele.
Comment: BP4, BP7, PM2_supporting

Labcorp Genetics (formerly Invitae), Labcorp
Classification: Likely benign for Glycogen storage disease IXb. Last evaluated: 2024-05-27. Review status: criteria provided, single submitter. Criteria: Invitae Variant Classification Sherloc (09022015). Collection method: clinical testing. Allele origin: germline.

NM_000293.3(PHKB):c.807C>T (p.Leu269=)

Gene: PHKB (phosphorylase kinase regulatory subunit beta; plus strand). Cytogenetic location: 16q12.1.
Variant type: single nucleotide variant.
Coding change: c.807C>T on transcript NM_000293.3 (MANE Select); coding-DNA position 807, C replaced by T.
Protein change: p.Leu269=; no amino-acid change (leucine 269 retained).
Molecular consequence: synonymous variant.
Genome position (GRCh38, 1-based): chr16:47,587,700, C>T. VCF-style: chr16-47587700-C-T. GRCh37 (hg19) VCF-style: chr16-47621611-C-T.
Other names: p.Leu269=; c.786C>T, p.Leu262= (NM_001031835.3); c.807C>T, p.Leu269= (NM_001363837.1).
Identifiers: ClinVar variation 3017091 (VCV003017091.4), dbSNP rs747148702, ClinGen allele CA8040628.